The following is an entry in ClinVar:

ClinVar aggregate classification (germline): Uncertain significance (1 of 4 stars; one submission).

Conditions:
Emery-Dreifuss muscular dystrophy 4, autosomal dominant (EDMD4). Also called: EMERY-DREIFUSS MUSCULAR DYSTROPHY 4 WITH VARIABLE FEATURES. Identifiers: Orphanet 261, MedGen C2751807, MONDO:0013071, OMIM 612998.
Autosomal recessive ataxia, Beauce type. Also called: Spinocerebellar ataxia, autosomal recessive 8; ATAXIA, RECESSIVE, OF BEAUCE; SYNE1 Deficiency; SYNE1-Related Autosomal Recessive Cerebellar Ataxia. Identifiers: Orphanet 88644, MedGen C1853116, MONDO:0012549, OMIM 610743.

Submission:

Labcorp Genetics (formerly Invitae), Labcorp
Classification: Uncertain significance for Emery-Dreifuss muscular dystrophy 4, autosomal dominant; Autosomal recessive ataxia, Beauce type. Last evaluated: 2022-08-16. Review status: criteria provided, single submitter. Criteria: Invitae Variant Classification Sherloc (09022015). Collection method: clinical testing. Allele origin: germline.
Comment: This variant has not been reported in the literature in individuals affected with SYNE1-related conditions. This variant is not present in population databases (gnomAD no frequency). This sequence change replaces serine, which is neutral and polar, with asparagine, which is neutral and polar, at codon 3256 of the SYNE1 protein (p.Ser3256Asn). ClinVar contains an entry for this variant (Variation ID: 1056469). In summary, the available evidence is currently insufficient to determine the role of this variant in disease. Therefore, it has been classified as a Variant of Uncertain Significance. Algorithms developed to predict the effect of missense changes on protein structure and function output the following: SIFT: "Tolerated"; PolyPhen-2: "Benign"; Align-GVGD: "Class C0". The asparagine amino acid residue is found in multiple mammalian species, which suggests that this missense change does not adversely affect protein function.

NM_182961.4(SYNE1):c.9746G>A (p.Ser3249Asn)

Gene: SYNE1 (spectrin repeat containing nuclear envelope protein 1; minus strand). Cytogenetic location: 6q25.2.
Variant type: single nucleotide variant.
Coding change: c.9746G>A on transcript NM_182961.4 (MANE Select); coding-DNA position 9746, G replaced by A.
Protein change: p.Ser3249Asn; replaces serine 3249 with asparagine.
Molecular consequence: missense variant.
Genome position (GRCh38, 1-based): chr6:152,369,033, C>T on the plus strand (G>A on the coding strand, the complement: SYNE1 is on the minus strand). VCF-style: chr6-152369033-C-T. GRCh37 (hg19) VCF-style: chr6-152690168-C-T.
Other names: c.9767G>A, p.Ser3256Asn (NM_033071.5); short protein forms S3249N, S3256N.
Identifiers: ClinVar variation 1056469 (VCV001056469.9), dbSNP rs886061206, ClinGen allele CA366137387.